The following is an entry in ClinVar:

NM_001374828.1(ARID1B):c.4254T>C (p.Phe1418=)

Gene: ARID1B (AT-rich interaction domain 1B; plus strand). Cytogenetic location: 6q25.3.
Variant type: single nucleotide variant.
Coding change: c.4254T>C on transcript NM_001374828.1 (MANE Select); coding-DNA position 4254, T replaced by C.
Protein change: p.Phe1418=; no amino-acid change (phenylalanine 1418 retained).
Molecular consequence: synonymous variant.
Genome position (GRCh38, 1-based): chr6:157,196,187, T>C. VCF-style: chr6-157196187-T-C. GRCh37 (hg19) VCF-style: chr6-157517321-T-C.
Other names: c.1755T>C, p.Phe585= (NM_001363725.2); c.4134T>C, p.Phe1378= (NM_001371656.1, NM_001374820.1); c.4095T>C, p.Phe1365= (NM_017519.3); c.3885T>C (NM_020732.3).
Identifiers: ClinVar variation 1235405 (VCV001235405.17), dbSNP rs368341224, ClinGen allele CA4067575.

ClinVar aggregate classification (germline): Benign/Likely benign. Review status: criteria provided, multiple submitters, no conflicts (2 of 4 stars). 5 submissions from 5 submitters: Benign (2); Likely benign (2). 1 of the submissions does not count toward it. Last evaluated 2025-11-11.

Conditions:
ARID1B-Related Disorder. Identifiers: MedGen CN381337.
Inborn genetic diseases. Identifiers: MedGen C0950123, MeSH D030342.

Allele frequency attached by ClinVar (database versions not stated): ExAC 0.00014; ESP Exome Variant Server 0.00015; gnomAD exomes 0.00018 and 0.00021; gnomAD 0.00026 and 0.00027; TOPMed 0.00030; 1000 Genomes Project 0.00040; 1000 Genomes Project 30x 0.00062.
gnomAD v4.1: 309 of 1,612,686 alleles (0.019%); highest among the groups gnomAD compares: Admixed American, 0.087%; no homozygotes.

Submissions (5):

Labcorp Genetics (formerly Invitae), Labcorp
Classification: Benign. Last evaluated: 2025-11-11. Review status: criteria provided, single submitter. Criteria: Invitae Variant Classification Sherloc (09022015). Collection method: clinical testing. Allele origin: germline.

Blueprint Genetics
Classification: Likely benign. Last evaluated: 2023-06-20. Review status: criteria provided, single submitter. Criteria: ACMG Guidelines, 2015. Collection method: clinical testing. Allele origin: germline.

GeneDx
Classification: Benign. Last evaluated: 2020-03-23. Review status: criteria provided, single submitter. Criteria: GeneDx Variant Classification Process June 2021. Collection method: clinical testing. Allele origin: germline. Affected: yes.

Ambry Genetics
Classification: Likely benign for Inborn genetic diseases. Last evaluated: 2018-02-08. Review status: criteria provided, single submitter. Criteria: Ambry Variant Classification Scheme 2023. Collection method: clinical testing. Allele origin: germline.

PreventionGenetics, part of Exact Sciences
Classification: Likely benign for ARID1B-related condition. Last evaluated: 2022-05-19. Review status: no assertion criteria provided. Collection method: clinical testing. Allele origin: germline. Not counted in ClinVar's aggregate classification.
Comment: This variant is classified as likely benign based on ACMG/AMP sequence variant interpretation guidelines (Richards et al. 2015 PMID: 25741868, with internal and published modifications).